The following is an entry in ClinVar:

ClinVar aggregate classification (germline): Conflicting classifications of pathogenicity. Review status: criteria provided, conflicting classifications (1 of 4 stars). 3 submissions from 3 submitters: Likely pathogenic (1); Uncertain significance (2). Last evaluated 2026-03-23.

Conditions:
Hereditary cancer-predisposing syndrome. Also called: Neoplastic Syndromes, Hereditary; Tumor predisposition; Hereditary Cancer Syndrome; Hereditary neoplastic syndrome. Identifiers: Orphanet 140162, MedGen C0027672, MeSH D009386, MONDO:0015356.
Ataxia-telangiectasia syndrome (AT). Also called: LOUIS-BAR SYNDROME; ATAXIA-TELANGIECTASIA, COMPLEMENTATION GROUP A; Ataxia-telangiectasia, complementation group D; AT, COMPLEMENTATION GROUP C; ATAXIA-TELANGIECTASIA, FRESNO VARIANT; Ataxia-telangiectasia. Identifiers: Orphanet 100, MedGen C0004135, MONDO:0008840, OMIM 208900.

Submissions (3):

Ambry Genetics
Classification: Uncertain significance for Hereditary cancer-predisposing syndrome. Last evaluated: 2026-03-23. Review status: criteria provided, single submitter. Criteria: Ambry Variant Classification Scheme 2023. Collection method: clinical testing. Allele origin: germline.
Comment: The p.K1192N variant (also known as c.3576G>C), located in coding exon 23 of the ATM gene, results from a G to C substitution at nucleotide position 3576. The amino acid change results in lysine to asparagine at codon 1192, an amino acid with similar properties. However, this change occurs in the last base pair of coding exon 23, which makes it likely to have some effect on normal mRNA splicing. Another variant impacting the same donor site (c.3576G>A) has been shown to have a similar impact on splicing in individuals with features consistent with ataxia telangiectasia (Telatar M et al. Am J Hum Genet, 1998 Jan;62:86-97; Gilad S et al. Am J Hum Genet, 1998 Mar;62:551-61; Sandoval N et al. Hum Mol Genet, 1999 Jan;8:69-79). In an assay testing ATM function, the p.K1192N variant showed a functionally normal result (Lee KS et al. Cell, 2025 Sep;188:5081-5099.e27). This nucleotide position is highly conserved in available vertebrate species. This amino acid position is highly conserved in available vertebrate species. In silico splice site analysis predicts that this alteration will weaken the native splice donor site. In addition, the in silico prediction for this alteration is inconclusive. Based on the available evidence, the clinical significance of this variant remains unclear.

Women's Health and Genetics/Laboratory Corporation of America, LabCorp
Classification: Uncertain significance. Last evaluated: 2025-11-11. Review status: criteria provided, single submitter. Criteria: LabCorp Variant Classification Summary - May 2015. Collection method: clinical testing. Allele origin: germline.
Comment: Variant summary: ATM c.3576G>C (p.Lys1192Asn) results in a non-conservative amino acid change in the encoded protein sequence. Algorithms developed to predict the effect of missense changes on protein structure and function are either unavailable or do not agree on the potential impact of this missense change. Several computational tools predict a significant impact on normal splicing: Four predict the variant abolishes the canonical 5' splicing donor site. However, these predictions have yet to be confirmed by functional studies. Another alteration impacting the same nucleotide position (c.3576G>A, p.Lys1192=) has been described in individuals with a clinical diagnosis of ataxia telangiectasia, supporting the critical relevance of this nucleotide to the splicing of the ATM gene. The variant was absent in 251126 control chromosomes. The available data on variant occurrences in the general population are insufficient to allow any conclusion about variant significance. To our knowledge, no occurrence of c.3576G>C in individuals affected with ATM-related conditions and no experimental evidence demonstrating its impact on protein function have been reported. ClinVar contains an entry for this variant (Variation ID: 1732830). Based on the evidence outlined above, the variant was classified as uncertain significance.

Labcorp Genetics (formerly Invitae), Labcorp
Classification: Likely pathogenic for Ataxia-telangiectasia syndrome. Last evaluated: 2023-12-26. Review status: criteria provided, single submitter. Criteria: Invitae Variant Classification Sherloc (09022015). Collection method: clinical testing. Allele origin: germline.
Comment: This sequence change replaces lysine, which is basic and polar, with asparagine, which is neutral and polar, at codon 1192 of the ATM protein (p.Lys1192Asn). This variant also falls at the last nucleotide of exon 24, which is part of the consensus splice site for this exon. This variant is not present in population databases (gnomAD no frequency). This variant has not been reported in the literature in individuals affected with ATM-related conditions. ClinVar contains an entry for this variant (Variation ID: 1732830). An algorithm developed to predict the effect of missense changes on protein structure and function (PolyPhen-2) suggests that this variant is likely to be disruptive. Variants that disrupt the consensus splice site are a relatively common cause of aberrant splicing (PMID: 17576681, 9536098). Algorithms developed to predict the effect of sequence changes on RNA splicing suggest that this variant may disrupt the consensus splice site. This variant disrupts the c.3576G nucleotide in the ATM gene. Other variant(s) that disrupt this nucleotide have been determined to be pathogenic (PMID: 8845835, 9887333, 19691550, 22071889, 27599564). This suggests that this nucleotide is clinically significant, and that variants that disrupt this position are likely to be disease-causing. In summary, the currently available evidence indicates that the variant is pathogenic, but additional data are needed to prove that conclusively. Therefore, this variant has been classified as Likely Pathogenic.

Literature cited by the submitters: PubMed 40580951 (cited by Ambry Genetics); PubMed 9443866 (cited by Ambry Genetics); PubMed 9497252 (cited by Ambry Genetics); PubMed 9887333 (cited by Ambry Genetics and Labcorp Genetics (formerly Invitae), Labcorp); PubMed 17576681 (cited by Labcorp Genetics (formerly Invitae), Labcorp); PubMed 9536098 (cited by Labcorp Genetics (formerly Invitae), Labcorp); PubMed 8845835 (cited by Labcorp Genetics (formerly Invitae), Labcorp); PubMed 19691550 (cited by Labcorp Genetics (formerly Invitae), Labcorp); PubMed 22071889 (cited by Labcorp Genetics (formerly Invitae), Labcorp); PubMed 27599564 (cited by Labcorp Genetics (formerly Invitae), Labcorp).

NM_000051.4(ATM):c.3576G>C (p.Lys1192Asn)

Gene: ATM (ATM serine/threonine kinase; plus strand). Cytogenetic location: 11q22.3.
Variant type: single nucleotide variant.
Coding change: c.3576G>C on transcript NM_000051.4 (MANE Select); coding-DNA position 3576, G replaced by C.
Protein change: p.Lys1192Asn; replaces lysine 1192 with asparagine.
Molecular consequence: missense variant.
Genome position (GRCh38, 1-based): chr11:108,281,168, G>C. VCF-style: chr11-108281168-G-C. GRCh37 (hg19) VCF-style: chr11-108151895-G-C.
Other names: c.3576G>C, p.Lys1192Asn (NM_001351834.2); short protein forms K1192N.
Identifiers: ClinVar variation 1732830 (VCV001732830.7), dbSNP rs587776551, ClinGen allele CA382520829.